The following is an entry in ClinVar:

NM_007294.4(BRCA1):c.3717T>A (p.Ser1239=)

Genes: BRCA1 (BRCA1 DNA repair associated; minus strand), LOC126862571 (BRD4-independent group 4 enhancer GRCh37_chr17:41243136-41244335; plus strand). Cytogenetic location: 17q21.31.
Variant type: single nucleotide variant.
Coding change: c.3717T>A on transcript NM_007294.4 (MANE Select); coding-DNA position 3717, T replaced by A.
Protein change: p.Ser1239=; no amino-acid change (serine 1239 retained).
Molecular consequence: synonymous variant. On other transcripts: intron variant (135).
Genome position (GRCh38, 1-based): chr17:43,091,814, A>T on the plus strand (T>A on the coding strand, the complement: BRCA1 is on the minus strand). VCF-style: chr17-43091814-A-T. GRCh37 (hg19) VCF-style: chr17-41243831-A-T.
Other names: p.S1239S:TCT>TCA; c.3504T>A, p.Ser1168= (NM_001407898.1, NM_001407899.1, NM_001407915.1 and 9 more transcripts); c.3507T>A, p.Ser1169= (NM_001407900.1, NM_001407902.1, NM_001407904.1 and 13 more transcripts); c.3594T>A, p.Ser1198= (NM_001407919.1, NM_001407937.1, NM_001407938.1 and 19 more transcripts); c.3453T>A, p.Ser1151= (NM_001407920.1, NM_001407921.1, NM_001407922.1 and 9 more transcripts); c.3450T>A, p.Ser1150= (NM_001407930.1, NM_001407931.1, NM_001407932.1 and 2 more transcripts); c.3591T>A, p.Ser1197= (NM_001407940.1, NM_001407941.1, NM_001407649.1 and 11 more transcripts); c.3576T>A, p.Ser1192= (NM_001407942.1, NM_001407944.1, NM_001407945.1 and 29 more transcripts); and 42 more.
Identifiers: ClinVar variation 182094 (VCV000182094.28), dbSNP rs730881453, ClinGen allele CA002386.

ClinVar aggregate classification (germline): Likely benign. Review status: reviewed by expert panel (3 of 4 stars). 11 submissions from 11 submitters: Likely benign (1). 10 of the submissions do not count toward it. Last evaluated 2017-06-29.

Conditions:
Hereditary cancer-predisposing syndrome. Also called: Hereditary Cancer Syndrome; Hereditary neoplastic syndrome; Tumor predisposition; Neoplastic Syndromes, Hereditary. Identifiers: Orphanet 140162, MedGen C0027672, MeSH D009386, MONDO:0015356.
Hereditary breast ovarian cancer syndrome. Also called: Hereditary breast and ovarian cancer syndrome; Hereditary breast and ovarian cancer syndrome (HBOC); BRCA1- and BRCA2-Associated Hereditary Breast and Ovarian Cancer; Breast and ovarian cancer; Hereditary breast and ovarian cancer; Hereditary breast and/or ovarian cancer syndrome. Identifiers: Orphanet 145, MedGen C0677776, MeSH D061325, MONDO:0003582. Disease mechanism: loss of function.
Breast-ovarian cancer, familial, susceptibility to, 1 (BROVCA1). Also called: OVARIAN CANCER, SUSCEPTIBILITY TO; BRCA1 Hereditary Breast and Ovarian Cancer. Identifiers: Orphanet 145, MedGen C2676676, MONDO:0011450, OMIM 604370. Disease mechanism: loss of function.
BRCA1-related cancer predisposition. Identifiers: MedGen CN377757, MONDO:0700268.
BRCA1-related disorder. Also called: BRCA1-related condition.

Allele frequency attached by ClinVar (database versions not stated): gnomAD 0.00001; gnomAD exomes 0.00001 and 0.00006; TOPMed 0.00001; ExAC 0.00006.
gnomAD v4.1: 23 of 1,614,102 alleles (0.0014%); highest among the groups gnomAD compares: Admixed American, 0.017%; no homozygotes.

Submissions (11):

Evidence-based Network for the Interpretation of Germline Mutant Alleles (ENIGMA)
Classification: Likely benign for Breast-ovarian cancer, familial, susceptibility to, 1. Last evaluated: 2017-06-29. Review status: reviewed by expert panel. Criteria: ENIGMA BRCA1/2 Classification Criteria (2017-06-29). Collection method: curation. Allele origin: germline.
Comment: Synonymous substitution variant, with low bioinformatic likelihood to result in a splicing aberration (Splicing prior probability 0.02).

Labcorp Genetics (formerly Invitae), Labcorp
Classification: Benign for Hereditary breast ovarian cancer syndrome. Last evaluated: 2026-01-08. Review status: criteria provided, single submitter. Criteria: Invitae Variant Classification Sherloc (09022015). Collection method: clinical testing. Allele origin: germline. Not counted in ClinVar's aggregate classification.

Center for Genomic Medicine, Rigshospitalet, Copenhagen University Hospital
Classification: Likely benign. Last evaluated: 2025-12-29. Review status: criteria provided, single submitter. Criteria: ACMG Guidelines, 2015. Collection method: clinical testing. Allele origin: germline. Not counted in ClinVar's aggregate classification.

ARUP Laboratories, Molecular Genetics and Genomics, ARUP Laboratories
Classification: Likely benign. Last evaluated: 2024-11-11. Review status: criteria provided, single submitter. Criteria: ARUP Molecular Germline Variant Investigation Process 2024. Collection method: clinical testing. Allele origin: germline. Not counted in ClinVar's aggregate classification.

All of Us Research Program, National Institutes of Health
Classification: Benign for BRCA1-related cancer predisposition. Last evaluated: 2024-07-29. Review status: criteria provided, single submitter. Criteria: ACMG Guidelines, 2015. Collection method: clinical testing. Allele origin: germline. Inheritance: Autosomal dominant inheritance. Observed: 15 variant alleles, 15 heterozygotes. Not counted in ClinVar's aggregate classification.
Comment: This study involves interpretation of variants in research participants for the purpose of population health screening. Participant phenotype was not available at the time of variant classification. Additional details can be found in publication PMID: 35346344, PMCID: PMC8962531

Women's Health and Genetics/Laboratory Corporation of America, LabCorp
Classification: Benign. Last evaluated: 2022-12-09. Review status: criteria provided, single submitter. Criteria: LabCorp Variant Classification Summary - May 2015. Collection method: clinical testing. Allele origin: germline. Not counted in ClinVar's aggregate classification.
Comment: Variant summary: BRCA1 c.3717T>A results in a synonymous change. The variant allele was found at a frequency of 5.6e-05 in 251288 control chromosomes. This frequency is not significantly higher than expected for a pathogenic variant in BRCA1 causing Hereditary Breast And Ovarian Cancer Syndrome (5.6e-05 vs 0.001), allowing no conclusion about variant significance. c.3717T>A has been reported in the literature in individuals affected with Breast Cancer. These reports do not provide unequivocal conclusions about association of the variant with Hereditary Breast And Ovarian Cancer Syndrome. Co-occurrence with a pathogenic variant has been reported (BRCA2 c.516+2T>c), providing supporting evidence for a benign role. Six clinical diagnostic laboratories have submitted clinical-significance assessments for this variant to ClinVar after 2014 without evidence for independent evaluation. All laboratories classified the variant as benign/likely benign. Based on the evidence outlined above, the variant was classified as benign.

Sema4
Classification: Likely benign for Hereditary cancer-predisposing syndrome. Last evaluated: 2022-02-13. Review status: criteria provided, single submitter. Criteria: Sema4 Curation Guidelines. Collection method: curation. Allele origin: germline. Not counted in ClinVar's aggregate classification.

Color Diagnostics, LLC DBA Color Health
Classification: Benign for Hereditary cancer-predisposing syndrome. Last evaluated: 2015-08-04. Review status: criteria provided, single submitter. Criteria: ACMG Guidelines, 2015. Collection method: clinical testing. Allele origin: germline. Not counted in ClinVar's aggregate classification.

Ambry Genetics
Classification: Likely benign for Hereditary cancer-predisposing syndrome. Last evaluated: 2014-09-05. Review status: criteria provided, single submitter. Criteria: Ambry Variant Classification Scheme 2023. Collection method: clinical testing. Allele origin: germline. Not counted in ClinVar's aggregate classification.

GeneDx
Classification: Benign. Last evaluated: 2014-07-07. Review status: criteria provided, single submitter. Criteria: GeneDx Variant Classification (06012015). Collection method: clinical testing. Allele origin: germline. Affected: yes. Not counted in ClinVar's aggregate classification.
Comment: This variant is considered likely benign or benign based on one or more of the following criteria: it is a conservative change, it occurs at a poorly conserved position in the protein, it is predicted to be benign by multiple in silico algorithms, and/or has population frequency not consistent with disease.

PreventionGenetics, part of Exact Sciences
Classification: Likely benign for BRCA1-related condition. Last evaluated: 2023-05-01. Review status: no assertion criteria provided. Collection method: clinical testing. Allele origin: germline. Not counted in ClinVar's aggregate classification.
Comment: This variant is classified as likely benign based on ACMG/AMP sequence variant interpretation guidelines (Richards et al. 2015 PMID: 25741868, with internal and published modifications).

Literature cited by the submitters: PubMed 20104584 (cited by Women's Health and Genetics/Laboratory Corporation of America, LabCorp); PubMed 23893897 (cited by Women's Health and Genetics/Laboratory Corporation of America, LabCorp); PubMed 18273839 (cited by Women's Health and Genetics/Laboratory Corporation of America, LabCorp).